The following is an entry in ClinVar:

NM_001291415.2(KDM6A):c.3730T>A (p.Ser1244Thr)

Gene: KDM6A (lysine demethylase 6A; plus strand). Cytogenetic location: Xp11.3.
Variant type: single nucleotide variant.
Coding change: c.3730T>A on transcript NM_001291415.2 (MANE Select); coding-DNA position 3730, T replaced by A.
Protein change: p.Ser1244Thr; replaces serine 1244 with threonine.
Molecular consequence: missense variant. On other transcripts: non-coding transcript variant (1).
Genome position (GRCh38, 1-based): chrX:45,089,768, T>A. VCF-style: chrX-45089768-T-A. GRCh37 (hg19) VCF-style: chrX-44949013-T-A.
Other names: c.3574T>A (NM_021140.3); c.3595T>A, p.Ser1199Thr (NM_001291416.2); c.3439T>A, p.Ser1147Thr (NM_001291417.2); c.3337T>A, p.Ser1113Thr (NM_001291418.2); c.2686T>A, p.Ser896Thr (NM_001291421.2); c.3574T>A, p.Ser1192Thr (NM_021140.4); short protein forms S1192T, S1199T, S1244T, S1113T, S1147T, S896T.
Identifiers: ClinVar variation 1470608 (VCV001470608.33), dbSNP rs1602985775, ClinGen allele CA412806533.

ClinVar aggregate classification (germline): Uncertain significance. Review status: criteria provided, multiple submitters, no conflicts (2 of 4 stars). 4 submissions from 4 submitters: Uncertain significance (4). Last evaluated 2024-10-21.

Conditions:
Kabuki syndrome 2 (KABUK2). Also called: KDM6A-Related Kabuki Syndrome. Identifiers: Orphanet 2322, MedGen C3275495, MONDO:0010465, OMIM 300867.

Allele frequency attached by ClinVar (database versions not stated): TOPMed 0.00001.
gnomAD v4.1: 2 of 1,207,703 alleles (0.00017%); highest among the groups gnomAD compares: Non-Finnish European, 0.00022%; no homozygotes.

Submissions (4):

Labcorp Genetics (formerly Invitae), Labcorp
Classification: Uncertain significance for Kabuki syndrome 2. Last evaluated: 2024-10-21. Review status: criteria provided, single submitter. Criteria: Invitae Variant Classification Sherloc (09022015). Collection method: clinical testing. Allele origin: germline.
Comment: This sequence change replaces serine, which is neutral and polar, with threonine, which is neutral and polar, at codon 1192 of the KDM6A protein (p.Ser1192Thr). This variant is not present in population databases (gnomAD no frequency). This variant has not been reported in the literature in individuals affected with KDM6A-related conditions. ClinVar contains an entry for this variant (Variation ID: 1470608). Invitae Evidence Modeling of protein sequence and biophysical properties (such as structural, functional, and spatial information, amino acid conservation, physicochemical variation, residue mobility, and thermodynamic stability) indicates that this missense variant is expected to disrupt KDM6A protein function with a positive predictive value of 80%. In summary, the available evidence is currently insufficient to determine the role of this variant in disease. Therefore, it has been classified as a Variant of Uncertain Significance.

Fulgent Genetics
Classification: Uncertain significance for Kabuki syndrome 2. Last evaluated: 2024-01-23. Review status: criteria provided, single submitter. Criteria: ACMG Guidelines, 2015. Collection method: clinical testing. Allele origin: germline.

CeGaT Center for Human Genetics Tuebingen
Classification: Uncertain significance. Last evaluated: 2023-08-01. Review status: criteria provided, single submitter. Criteria: CeGaT Center For Human Genetics Tuebingen Variant Classification Criteria Version 2. Collection method: clinical testing. Allele origin: germline. Affected: yes. Observed: 1 variant allele.
Comment: KDM6A: PM2, PP3

Blueprint Genetics
Classification: Uncertain significance. Last evaluated: 2020-12-14. Review status: criteria provided, single submitter. Criteria: ACMG Guidelines, 2015. Collection method: clinical testing. Allele origin: germline.